The following is an entry in ClinVar:

NM_004360.5(CDH1):c.2111G>A (p.Gly704Glu)

Gene: CDH1 (cadherin 1; plus strand). Cytogenetic location: 16q22.1.
Variant type: single nucleotide variant.
Coding change: c.2111G>A on transcript NM_004360.5 (MANE Select); coding-DNA position 2111, G replaced by A.
Protein change: p.Gly704Glu; replaces glycine 704 with glutamic acid.
Molecular consequence: missense variant.
Genome position (GRCh38, 1-based): chr16:68,823,573, G>A. VCF-style: chr16-68823573-G-A. GRCh37 (hg19) VCF-style: chr16-68857476-G-A.
Other names: c.1928G>A, p.Gly643Glu (NM_001317184.2); c.563G>A, p.Gly188Glu (NM_001317185.2); c.146G>A, p.Gly49Glu (NM_001317186.2); short protein forms G188E, G49E, G643E, G704E.
Identifiers: ClinVar variation 1320384 (VCV001320384.7), dbSNP rs2152139577, ClinGen allele CA396467871.

ClinVar aggregate classification (germline): Uncertain significance. Review status: criteria provided, multiple submitters, no conflicts (2 of 4 stars). 2 submissions from 2 submitters: Uncertain significance (2). Last evaluated 2023-04-14.

Conditions:
Hereditary diffuse gastric adenocarcinoma (HDGC). Also called: DIFFUSE GASTRIC AND LOBULAR BREAST CANCER SYNDROME. Identifiers: Orphanet 26106, MedGen C1708349, MONDO:0007648, OMIM 137215.

Submissions (2):

Labcorp Genetics (formerly Invitae), Labcorp
Classification: Uncertain significance for Hereditary diffuse gastric adenocarcinoma. Last evaluated: 2023-04-14. Review status: criteria provided, single submitter. Criteria: Invitae Variant Classification Sherloc (09022015). Collection method: clinical testing. Allele origin: germline.
Comment: This sequence change replaces glycine, which is neutral and non-polar, with glutamic acid, which is acidic and polar, at codon 704 of the CDH1 protein (p.Gly704Glu). This variant is not present in population databases (gnomAD no frequency). This variant has not been reported in the literature in individuals affected with CDH1-related conditions. ClinVar contains an entry for this variant (Variation ID: 1320384). An algorithm developed to predict the effect of missense changes on protein structure and function (PolyPhen-2) suggests that this variant is likely to be tolerated. In summary, the available evidence is currently insufficient to determine the role of this variant in disease. Therefore, it has been classified as a Variant of Uncertain Significance.

GeneDx
Classification: Uncertain significance. Last evaluated: 2021-01-18. Review status: criteria provided, single submitter. Criteria: GeneDx Variant Classification Process June 2021. Collection method: clinical testing. Allele origin: germline. Affected: yes.
Comment: Not observed in large population cohorts (Lek 2016); In silico analysis supports that this missense variant has a deleterious effect on protein structure/function; Has not been previously published as pathogenic or benign to our knowledge